The following is an entry in ClinVar:

ClinVar aggregate classification (germline): Uncertain significance. Review status: criteria provided, multiple submitters, no conflicts (2 of 4 stars). 3 submissions from 3 submitters: Uncertain significance (3). Last evaluated 2026-07-13.

Conditions:
Charcot-Marie-Tooth disease dominant intermediate C (CMTDIC). Also called: CHARCOT-MARIE-TOOTH NEUROPATHY, DOMINANT INTERMEDIATE C. Identifiers: Orphanet 100045, MedGen C1842237, MONDO:0012012, OMIM 608323.
Neurologic, endocrine, and pancreatic disease, multisystem, infantile-onset 2 (IMNEPD2). Also called: YARS1 Deficiency. Identifiers: MedGen C5543623, MONDO:0030375, OMIM 619418.

Allele frequency attached by ClinVar (database versions not stated): gnomAD exomes 0.00001; ExAC 0.00002; gnomAD 0.00003; TOPMed 0.00003.
gnomAD v4.1: 23 of 1,613,896 alleles (0.0014%); highest among the groups gnomAD compares: African/African-American, 0.0053%; no homozygotes.

Submissions (3):

Kasturba Medical College, Manipal, Kasturba Medical College, Manipal, Manipal Academy of Higher Education, Manipal, India
Classification: Uncertain significance for Neurologic, endocrine, and pancreatic disease, multisystem, infantile-onset 2. Last evaluated: 2026-07-13. Review status: criteria provided, single submitter. Criteria: ACMG Guidelines, 2015. Collection method: research. Allele origin: unknown. Inheritance: Autosomal recessive inheritance. Affected: yes. Observed: 1 variant allele, 1 homozygote.
Comment: This variant is previously reported by two submitters as variant of uncertain significance in ClinVar (VCV002420969.6). The variant is reported in 23 individuals in heterozygous state and absent in homozygous state in the population database, gnomAD (v4.1.0). The variant is absent in homozygous and/or heterozygous state from our in-house database of 4334 exomes. In silico prediction tools (CADD_Phred and REVEL) are consistent in predicting the variant as damaging to YARS1 protein function.

GeneDx
Classification: Uncertain significance. Last evaluated: 2026-01-24. Review status: criteria provided, single submitter. Criteria: GeneDx Variant Classification Process June 2021. Collection method: clinical testing. Allele origin: germline.
Comment: Not observed at significant frequency in large population cohorts (gnomAD); In silico analysis supports that this missense variant has a deleterious effect on protein structure/function; Has not been previously published as pathogenic or benign to our knowledge

Labcorp Genetics (formerly Invitae), Labcorp
Classification: Uncertain significance for Charcot-Marie-Tooth disease dominant intermediate C. Last evaluated: 2022-07-19. Review status: criteria provided, single submitter. Criteria: Invitae Variant Classification Sherloc (09022015). Collection method: clinical testing. Allele origin: germline.
Comment: This variant is present in population databases (rs752992202, gnomAD 0.003%). This sequence change replaces arginine, which is basic and polar, with tryptophan, which is neutral and slightly polar, at codon 325 of the YARS protein (p.Arg325Trp). This variant has not been reported in the literature in individuals affected with YARS-related conditions. Algorithms developed to predict the effect of missense changes on protein structure and function are either unavailable or do not agree on the potential impact of this missense change (SIFT: "Not Available"; PolyPhen-2: "Probably Damaging"; Align-GVGD: "Not Available"). In summary, the available evidence is currently insufficient to determine the role of this variant in disease. Therefore, it has been classified as a Variant of Uncertain Significance.

NM_003680.4(YARS1):c.973C>T (p.Arg325Trp)

Gene: YARS1 (tyrosyl-tRNA synthetase 1; minus strand). Cytogenetic location: 1p35.1.
Variant type: single nucleotide variant.
Coding change: c.973C>T on transcript NM_003680.4 (MANE Select); coding-DNA position 973, C replaced by T.
Protein change: p.Arg325Trp; replaces arginine 325 with tryptophan.
Molecular consequence: missense variant.
Genome position (GRCh38, 1-based): chr1:32,782,473, G>A on the plus strand (C>T on the coding strand, the complement: YARS1 is on the minus strand). VCF-style: chr1-32782473-G-A. GRCh37 (hg19) VCF-style: chr1-33248074-G-A.
Other names: short protein forms R325W.
Identifiers: ClinVar variation 2420969 (VCV002420969.8), dbSNP rs752992202, ClinGen allele CA745036.
Genomic context (GRCh38, chr1:32,782,473, plus strand): 5'-AGGGATCTGGGTAGGCAGCGCTGGCCAGTTTTTTCAGGGCAGGGGTATTAAACTTTTCCC[G>A]GATTGGATCCAGCAACTTGTTCAGTGCGACTTCAACAGAATTCTTCAGGTCTCCAGGATG-3'
Protein context (NP_003671.1, residues 315-335): VALNKLLDPI[Arg325Trp]EKFNTPALKK